The following is an entry in ClinVar:

ClinVar aggregate classification (germline): Uncertain significance. Review status: criteria provided, multiple submitters, no conflicts (2 of 4 stars). 2 submissions from 2 submitters: Uncertain significance (2). Last evaluated 2024-08-14.

Allele frequency attached by ClinVar (database versions not stated): ExAC 0.00001.
gnomAD v4.1: 12 of 1,614,012 alleles (0.00074%); highest among the groups gnomAD compares: Non-Finnish European, 0.00093%; no homozygotes.

Submissions (2):

Blueprint Genetics
Classification: Uncertain significance. Last evaluated: 2024-08-14. Review status: criteria provided, single submitter. Criteria: ACMG Guidelines, 2015. Collection method: clinical testing. Allele origin: germline.

Labcorp Genetics (formerly Invitae), Labcorp
Classification: Uncertain significance. Last evaluated: 2023-10-03. Review status: criteria provided, single submitter. Criteria: Invitae Variant Classification Sherloc (09022015). Collection method: clinical testing. Allele origin: germline.
Comment: This sequence change replaces lysine, which is basic and polar, with asparagine, which is neutral and polar, at codon 1064 of the CEP250 protein (p.Lys1064Asn). This variant is present in population databases (rs759385715, gnomAD 0.002%). This variant has not been reported in the literature in individuals affected with CEP250-related conditions. ClinVar contains an entry for this variant (Variation ID: 1427589). An algorithm developed to predict the effect of missense changes on protein structure and function (PolyPhen-2) suggests that this variant is likely to be disruptive. In summary, the available evidence is currently insufficient to determine the role of this variant in disease. Therefore, it has been classified as a Variant of Uncertain Significance.

NM_007186.6(CEP250):c.3192G>T (p.Lys1064Asn)

Gene: CEP250 (centrosomal protein 250; plus strand). Cytogenetic location: 20q11.22.
Variant type: single nucleotide variant.
Coding change: c.3192G>T on transcript NM_007186.6 (MANE Select); coding-DNA position 3192, G replaced by T.
Protein change: p.Lys1064Asn; replaces lysine 1064 with asparagine.
Molecular consequence: missense variant.
Genome position (GRCh38, 1-based): chr20:35,496,601, G>T. VCF-style: chr20-35496601-G-T. GRCh37 (hg19) VCF-style: chr20-34084430-G-T.
Other names: c.1296G>T, p.Lys432Asn (NM_001318219.1); short protein forms K432N, K1064N.
Identifiers: ClinVar variation 1427589 (VCV001427589.5), dbSNP rs759385715, ClinGen allele CA9833414.